The following is an entry in ClinVar:

ClinVar aggregate classification (germline): Uncertain significance (1 of 4 stars; one submission).

Conditions:
Cardiovascular phenotype. Identifiers: MedGen CN230736.

gnomAD v4.1: 1 of 1,576,950 alleles (0.000063%); no homozygotes.

Submission:

Ambry Genetics
Classification: Uncertain significance for Cardiovascular phenotype. Last evaluated: 2026-04-11. Review status: criteria provided, single submitter. Criteria: Ambry Variant Classification Scheme 2023. Collection method: clinical testing. Allele origin: germline.
Comment: The p.S15R variant (also known as c.43A>C), located in coding exon 1 of the CBL gene, results from an A to C substitution at nucleotide position 43. The serine at codon 15 is replaced by arginine, an amino acid with dissimilar properties. This amino acid position is conserved. In addition, this alteration is predicted to be tolerated by in silico analysis. Based on the available evidence, the clinical significance of this variant remains unclear.

NM_005188.4(CBL):c.43A>C (p.Ser15Arg)

Genes: CBL (Cbl proto-oncogene; plus strand), LOC130006895 (ATAC-STARR-seq lymphoblastoid silent region 3975; plus strand). Cytogenetic location: 11q23.3.
Variant type: single nucleotide variant.
Coding change: c.43A>C on transcript NM_005188.4 (MANE Select); coding-DNA position 43, A replaced by C.
Protein change: p.Ser15Arg; replaces serine 15 with arginine.
Molecular consequence: missense variant.
Genome position (GRCh38, 1-based): chr11:119,206,460, A>C. VCF-style: chr11-119206460-A-C. GRCh37 (hg19) VCF-style: chr11-119077170-A-C.
Other names: short protein forms S15R.
Identifiers: ClinVar variation 4868220 (VCV004868220.1).
Genomic context (GRCh38, chr11:119,206,460, plus strand): 5'-TCCGACCCTGCCCAGGCCATGGCCGGCAACGTGAAGAAGAGCTCTGGGGCCGGGGGCGGC[A>C]GCGGCTCCGGGGGCTCGGGTTCGGGTGGCCTGATTGGGCTCATGAAGGACGCCTTCCAGC-3'
Protein context (NP_005179.2, residues 5-25): VKKSSGAGGG[Ser15Arg]GSGGSGSGGL